The following is an entry in ClinVar:

ClinVar aggregate classification (germline): Uncertain significance (1 of 4 stars; one submission).

Conditions:
KBG syndrome (KBGS). Also called: ANKRD11-Related KBG Syndrome. Identifiers: Orphanet 2332, MedGen C0220687, MONDO:0007846, OMIM 148050.

Submission:

Labcorp Genetics (formerly Invitae), Labcorp
Classification: Uncertain significance for KBG syndrome. Last evaluated: 2025-01-06. Review status: criteria provided, single submitter. Criteria: Invitae Variant Classification Sherloc (09022015). Collection method: clinical testing. Allele origin: germline.
Comment: This sequence change replaces valine, which is neutral and non-polar, with methionine, which is neutral and non-polar, at codon 2089 of the ANKRD11 protein (p.Val2089Met). This variant is not present in population databases (gnomAD no frequency). This variant has not been reported in the literature in individuals affected with ANKRD11-related conditions. Invitae Evidence Modeling of protein sequence and biophysical properties (such as structural, functional, and spatial information, amino acid conservation, physicochemical variation, residue mobility, and thermodynamic stability) indicates that this missense variant is not expected to disrupt ANKRD11 protein function with a negative predictive value of 95%. In summary, the available evidence is currently insufficient to determine the role of this variant in disease. Therefore, it has been classified as a Variant of Uncertain Significance.

NM_013275.6(ANKRD11):c.6265G>A (p.Val2089Met)

Gene: ANKRD11 (ankyrin repeat domain 11; minus strand). Cytogenetic location: 16q24.3.
Variant type: single nucleotide variant.
Coding change: c.6265G>A on transcript NM_013275.6 (MANE Select); coding-DNA position 6265, G replaced by A.
Protein change: p.Val2089Met; replaces valine 2089 with methionine.
Molecular consequence: missense variant.
Genome position (GRCh38, 1-based): chr16:89,280,277, C>T on the plus strand (G>A on the coding strand, the complement: ANKRD11 is on the minus strand). VCF-style: chr16-89280277-C-T. GRCh37 (hg19) VCF-style: chr16-89346685-C-T.
Other names: c.6265G>A, p.Val2089Met (NM_001256182.2, NM_001256183.2); short protein forms V2089M.
Identifiers: ClinVar variation 3696258 (VCV003696258.2).